The following is an entry in ClinVar:

ClinVar aggregate classification (germline): Uncertain significance (1 of 4 stars; one submission).

Conditions:
Inborn genetic diseases. Identifiers: MedGen C0950123, MeSH D030342.

Submission:

Ambry Genetics
Classification: Uncertain significance for Inborn genetic diseases. Last evaluated: 2025-07-14. Review status: criteria provided, single submitter. Criteria: Ambry Variant Classification Scheme 2023. Collection method: clinical testing. Allele origin: germline.
Comment: The p.V1035D variant (also known as c.3104T>A), located in coding exon 1 of the SAMD9L gene, results from a T to A substitution at nucleotide position 3104. The valine at codon 1035 is replaced by aspartic acid, an amino acid with highly dissimilar properties. This amino acid position is conserved. In addition, the in silico prediction for this alteration is inconclusive. Based on the available evidence, the clinical significance of this variant remains unclear.

NM_152703.5(SAMD9L):c.3104T>A (p.Val1035Asp)

Gene: SAMD9L (sterile alpha motif domain containing 9 like; minus strand). Cytogenetic location: 7q21.2.
Variant type: single nucleotide variant.
Coding change: c.3104T>A on transcript NM_152703.5 (MANE Select); coding-DNA position 3104, T replaced by A.
Protein change: p.Val1035Asp; replaces valine 1035 with aspartic acid.
Molecular consequence: missense variant.
Genome position (GRCh38, 1-based): chr7:93,132,868, A>T on the plus strand (T>A on the coding strand, the complement: SAMD9L is on the minus strand). VCF-style: chr7-93132868-A-T. GRCh37 (hg19) VCF-style: chr7-92762181-A-T.
Other names: c.3104T>A, p.Val1035Asp (NM_001303496.3, NM_001303497.3, NM_001303498.3 and 5 more transcripts); short protein forms V1035D.
Identifiers: ClinVar variation 4159334 (VCV004159334.1).